The following is an entry in ClinVar:

ClinVar aggregate classification (germline): Uncertain significance. Review status: criteria provided, multiple submitters, no conflicts (2 of 4 stars). 2 submissions from 2 submitters: Uncertain significance (2). Last evaluated 2025-04-01.

gnomAD v4.1: 54 of 1,591,072 alleles (0.0034%); highest among the groups gnomAD compares: Non-Finnish European, 0.0043%; no homozygotes.

Submissions (2):

Ambry Genetics
Classification: Uncertain significance. Last evaluated: 2025-04-01. Review status: criteria provided, single submitter. Criteria: Ambry Variant Classification Scheme 2023. Collection method: clinical testing. Allele origin: germline.

CeGaT Center for Human Genetics Tuebingen
Classification: Uncertain significance. Last evaluated: 2024-08-01. Review status: criteria provided, single submitter. Criteria: CeGaT Center For Human Genetics Tuebingen Variant Classification Criteria Version 2. Collection method: clinical testing. Allele origin: germline. Affected: yes. Observed: 1 variant allele.
Comment: MDH1: PM2, BP4

NM_005917.4(MDH1):c.197A>G (p.Lys66Arg)

Genes: MDH1 (malate dehydrogenase 1; plus strand), WDPCP (WD repeat containing planar cell polarity effector; minus strand). Cytogenetic location: 2p15.
Variant type: single nucleotide variant.
Coding change: c.197A>G on transcript NM_005917.4 (MANE Select); coding-DNA position 197, A replaced by G.
Protein change: p.Lys66Arg; replaces lysine 66 with arginine.
Molecular consequence: missense variant. On other transcripts: intron variant (1).
Genome position (GRCh38, 1-based): chr2:63,595,517, A>G. VCF-style: chr2-63595517-A-G. GRCh37 (hg19) VCF-style: chr2-63822651-A-G.
Other names: c.251A>G, p.Lys84Arg (NM_001199111.2); c.197A>G, p.Lys66Arg (NM_001316374.2); c.-69+931A>G (NM_001199112.2); c.251A>G (NM_001199111.1); short protein forms K66R, K84R.
Identifiers: ClinVar variation 3341866 (VCV003341866.16).